The following is an entry in ClinVar:

ClinVar aggregate classification (germline): Likely benign (0 of 4 stars; one submission).

Conditions:
RAC3-related disorder. Also called: RAC3-related condition.

Allele frequency attached by ClinVar (database versions not stated): gnomAD exomes 0.00018; 1000 Genomes Project 0.00040; 1000 Genomes Project 30x 0.00047; ESP Exome Variant Server 0.00062; gnomAD 0.00082; TOPMed 0.00088.
gnomAD v4.1: 382 of 1,612,648 alleles (0.024%); highest among the groups gnomAD compares: African/African-American, 0.3%; no homozygotes.

Submission:

PreventionGenetics, part of Exact Sciences
Classification: Likely benign for RAC3-related condition. Last evaluated: 2019-08-09. Review status: no assertion criteria provided. Collection method: clinical testing. Allele origin: germline.
Comment: This variant is classified as likely benign based on ACMG/AMP sequence variant interpretation guidelines (Richards et al. 2015 PMID: 25741868, with internal and published modifications).

NM_005052.3(RAC3):c.522C>T (p.Arg174=)

Gene: RAC3 (Rac family small GTPase 3; plus strand). Cytogenetic location: 17q25.3.
Variant type: single nucleotide variant.
Coding change: c.522C>T on transcript NM_005052.3 (MANE Select); coding-DNA position 522, C replaced by T.
Protein change: p.Arg174=; no amino-acid change (arginine 174 retained).
Molecular consequence: synonymous variant. On other transcripts: 3 prime UTR variant (1).
Genome position (GRCh38, 1-based): chr17:82,033,772, C>T. VCF-style: chr17-82033772-C-T. GRCh37 (hg19) VCF-style: chr17-79991648-C-T.
Other names: c.*13C>T (NM_001316307.2).
Identifiers: ClinVar variation 3034656 (VCV003034656.2), dbSNP rs150811488, ClinGen allele CA8848468.
Genomic context (GRCh38, chr17:82,033,772, plus strand): 5'-CCTGGAGTGCTCAGCCCTGACCCAGCGGGGCCTGAAGACAGTGTTTGACGAGGCGATCCG[C>T]GCGGTGCTCTGCCCGCCCCCAGTGAAGAAGCCGGGGAAGAAGTGCACCGTCTTCTAGAGC-3'
Protein context (NP_005043.1, residues 164-184): GLKTVFDEAI[Arg174=]AVLCPPPVKK